The following is an entry in ClinVar:

NM_016038.4(SBDS):c.587del (p.Val196fs)

Gene: SBDS (SBDS ribosome maturation factor; minus strand). Cytogenetic location: 7q11.21.
Variant type: Deletion.
Coding change: c.587del on transcript NM_016038.4 (MANE Select); coding-DNA position 587, one base deleted (T; older notation c.587delT).
Protein change: p.Val196fs; shifts the reading frame from valine 196.
Molecular consequence: frameshift variant.
Genome position (GRCh38, 1-based): chr7:66,991,174, A deleted on the plus strand (T on the coding strand, the reverse complement: SBDS is on the minus strand). VCF-style (leftmost placement, unchanged base first): chr7-66991173-GA-G. GRCh37 (hg19) VCF-style: chr7-66456160-GA-G.
Other names: short protein forms V196fs.
Identifiers: ClinVar variation 3356599 (VCV003356599.1).
Genomic context (GRCh38, chr7:66,991,173, plus strand): 5'-GCAAAGAAAATATTTGACTCTTACGATTTCTAACTGTTGGCCATAATCTTCACTTTCTAT[GA>G]CCTTGATCAGTGGCTTGAGCTTTTCTTTCAGCTTCTTGCCTTCATTGACTGGAAGGATGA-3'

ClinVar aggregate classification (germline): Likely pathogenic (0 of 4 stars; one submission).

Conditions:
SBDS-related disorder. Also called: SBDS-related condition.

Submission:

PreventionGenetics, part of Exact Sciences
Classification: Likely pathogenic for SBDS-related condition. Last evaluated: 2024-07-25. Review status: no assertion criteria provided. Collection method: clinical testing. Allele origin: germline.
Comment: The SBDS c.587delT variant is predicted to result in a frameshift and premature protein termination (p.Val196Alafs*2). To our knowledge, this variant has not been reported in the literature or in a large population database, indicating this variant is rare. Frameshift variants in SBDS are expected to be pathogenic. This variant is interpreted as likely pathogenic.